The following is an entry in ClinVar:

ClinVar aggregate classification (germline): Uncertain significance. Review status: criteria provided, multiple submitters, no conflicts (2 of 4 stars). 4 submissions from 4 submitters: Uncertain significance (4). Last evaluated 2026-08-23.

Conditions:
Catecholaminergic polymorphic ventricular tachycardia 1. Also called: VENTRICULAR TACHYCARDIA, CATECHOLAMINERGIC POLYMORPHIC, 1, WITH OR WITHOUT ATRIAL DYSFUNCTION AND/OR DILATED CARDIOMYOPATHY; VENTRICULAR TACHYCARDIA, STRESS-INDUCED POLYMORPHIC 1; RYR2-Related Catecholaminergic Polymorphic Ventricular Tachycardia. Identifiers: Orphanet 3286, MedGen C1631597, MONDO:0011484, OMIM 604772.
Catecholaminergic polymorphic ventricular tachycardia 5 (CARDAR). Also called: CARDIAC ARRHYTHMIA SYNDROME, WITH OR WITHOUT SKELETAL MUSCLE WEAKNESS; Ventricular tachycardia, catecholaminergic polymorphic, 5, with or without muscle weakness. Identifiers: Orphanet 3286, MedGen C3809536, MONDO:0014191, OMIM 615441.
Cardiovascular phenotype. Identifiers: MedGen CN230736.

Allele frequency attached by ClinVar (database versions not stated): TOPMed 0.00004; gnomAD 0.00003 and 0.00002; gnomAD exomes 0.00002.
gnomAD v4.1: 30 of 1,536,394 alleles (0.002%); highest among the groups gnomAD compares: Admixed American, 0.0062%; no homozygotes.

Submissions (4):

GeneDx
Classification: Uncertain significance. Last evaluated: 2026-08-23. Review status: criteria provided, single submitter. Criteria: GeneDx Variant Classification Process June 2021. Collection method: clinical testing. Allele origin: germline.
Comment: Not observed at significant frequency in large population cohorts (gnomAD); In silico analysis suggests that this missense variant does not alter protein structure/function; Has not been previously published as pathogenic or benign to our knowledge

ARUP Laboratories, Molecular Genetics and Genomics, ARUP Laboratories
Classification: Uncertain significance for Catecholaminergic polymorphic ventricular tachycardia 5. Last evaluated: 2023-11-11. Review status: criteria provided, single submitter. Criteria: ARUP Molecular Germline Variant Investigation Process 2024. Collection method: clinical testing. Allele origin: germline.
Comment: The TRDN c.1708A>G; p.Ile570Val variant (rs915231524), to our knowledge, is not reported in the medical literature but is reported in ClinVar (Variation ID: 408733). This variant is found only on one allele in the Genome Aggregation Database (v2.1.1), indicating it is not a common polymorphism. Computational analyses predict that this variant is neutral (REVEL: 0.017). Due to limited information, the clinical significance of this variant is uncertain at this time.

Ambry Genetics
Classification: Uncertain significance for Cardiovascular phenotype. Last evaluated: 2023-09-27. Review status: criteria provided, single submitter. Criteria: Ambry Variant Classification Scheme 2023. Collection method: clinical testing. Allele origin: germline.
Comment: The p.I570V variant (also known as c.1708A>G), located in coding exon 30 of the TRDN gene, results from an A to G substitution at nucleotide position 1708. The isoleucine at codon 570 is replaced by valine, an amino acid with highly similar properties. This amino acid position is not well conserved in available vertebrate species. In addition, this alteration is predicted to be tolerated by in silico analysis. Since supporting evidence is limited at this time, the clinical significance of this variant remains unclear.

Labcorp Genetics (formerly Invitae), Labcorp
Classification: Uncertain significance for Catecholaminergic polymorphic ventricular tachycardia 1. Last evaluated: 2023-09-12. Review status: criteria provided, single submitter. Criteria: Invitae Variant Classification Sherloc (09022015). Collection method: clinical testing. Allele origin: germline.
Comment: In summary, the available evidence is currently insufficient to determine the role of this variant in disease. Therefore, it has been classified as a Variant of Uncertain Significance. Advanced modeling of protein sequence and biophysical properties (such as structural, functional, and spatial information, amino acid conservation, physicochemical variation, residue mobility, and thermodynamic stability) performed at Invitae indicates that this missense variant is not expected to disrupt TRDN protein function. ClinVar contains an entry for this variant (Variation ID: 408733). This variant has not been reported in the literature in individuals affected with TRDN-related conditions. This variant is present in population databases (no rsID available, gnomAD 0.001%). This sequence change replaces isoleucine, which is neutral and non-polar, with valine, which is neutral and non-polar, at codon 570 of the TRDN protein (p.Ile570Val).

NM_006073.4(TRDN):c.1708A>G (p.Ile570Val)

Gene: TRDN (triadin; minus strand). Cytogenetic location: 6q22.31.
Variant type: single nucleotide variant.
Coding change: c.1708A>G on transcript NM_006073.4 (MANE Select); coding-DNA position 1708, A replaced by G.
Protein change: p.Ile570Val; replaces isoleucine 570 with valine.
Molecular consequence: missense variant.
Genome position (GRCh38, 1-based): chr6:123,271,151, T>C on the plus strand (A>G on the coding strand, the complement: TRDN is on the minus strand). VCF-style: chr6-123271151-T-C. GRCh37 (hg19) VCF-style: chr6-123592296-T-C.
Other names: short protein forms I570V.
Identifiers: ClinVar variation 408733 (VCV000408733.16), dbSNP rs915231524, ClinGen allele CA16612005.